The following is an entry in ClinVar:

ClinVar aggregate classification (germline): Pathogenic. Review status: criteria provided, multiple submitters, no conflicts (2 of 4 stars). 7 submissions from 7 submitters: Pathogenic (5). 2 of the submissions do not count toward it. Last evaluated 2026-01-14.

Conditions:
HSD17B3-related disorder. Also called: HSD17B3-related condition.
Testosterone 17-beta-dehydrogenase deficiency. Also called: 17 alpha ketosteroid reductase deficiency of testis; 17 alpha KSR deficiency; Neutral 17 beta hydroxysteroid oxidoreductase deficiency; Male pseudoherma-phroditism with gynecomastia; 46,XY disorder of sex development due to 17-beta-hydroxysteroid dehydrogenase 3 deficiency; 17-beta hydroxysteroid dehydrogenase 3 deficiency. Identifiers: Orphanet 752, MedGen C0268296, MONDO:0009916, OMIM 264300. Disease mechanism: loss of function.

Allele frequency attached by ClinVar (database versions not stated): ExAC 0.00002; gnomAD 0.00002; gnomAD exomes 0.00002; TOPMed 0.00002.

Submissions (7):

Labcorp Genetics (formerly Invitae), Labcorp
Classification: Pathogenic. Last evaluated: 2026-01-14. Review status: criteria provided, single submitter. Criteria: Invitae Variant Classification Sherloc (09022015). Collection method: clinical testing. Allele origin: germline.
Comment: This sequence change replaces serine, which is neutral and polar, with leucine, which is neutral and non-polar, at codon 232 of the HSD17B3 protein (p.Ser232Leu). This variant is present in population databases (rs28939085, gnomAD 0.006%). This missense change has been observed in individuals with 17-beta-hydroxysteroid dehydrogenase type 3 deficiency (PMID: 8075637, 17466011, 28739554). ClinVar contains an entry for this variant (Variation ID: 4872). Invitae Evidence Modeling of protein sequence and biophysical properties (such as structural, functional, and spatial information, amino acid conservation, physicochemical variation, residue mobility, and thermodynamic stability) has been performed for this missense variant. However, the output from this modeling did not meet the statistical confidence thresholds required to predict the impact of this variant on HSD17B3 protein function. Experimental studies have shown that this missense change affects HSD17B3 function (PMID: 8075637). For these reasons, this variant has been classified as Pathogenic.

PreventionGenetics, part of Exact Sciences
Classification: Pathogenic for HSD17B3-related condition. Last evaluated: 2025-08-20. Review status: criteria provided, single submitter. Criteria: ACMG Guidelines, 2015. Collection method: clinical testing. Allele origin: germline.
Comment: The HSD17B3 c.695C>T variant is predicted to result in the amino acid substitution p.Ser232Leu. This variant has been reported in the homozygous state and compound heterozygous state with a second HSD17B3 variant in multiple 46,XY individuals with autosomal recessive male pseudohermaphroditism (Geissler et al. 1994. PubMed ID: 8075637; Lee et al. 2007. PubMed ID: 17466011; Galli-Tsinopoulou et al. 2018. PubMed ID: 28739554; Krishnappa et al. 2022. PubMed ID: 35170787; Archana et al. 2025. PubMed ID: 40615130). In vitro studies in transformed HEK293 cells have demonstrated that this variant leads to a complete loss of protein function (Geissler et al. 1994. PubMed ID: 8075637). This variant is reported in 0.0065% of alleles in individuals of South Asian descent in gnomAD and is interpreted as pathogenic by multiple laboratories in ClinVar (Variation ID: 4872). An alternate missense change of the same amino acid (p.Ser232Pro) has been reported in the presumed compound heterozygous state with another HSD17B3 variant (p.Ser160Phe) and shown to be functionally damaging in an individual with HSD17B3 deficiency (Zhu et al. 2022. PubMed ID: 36154887). Taken together, the p.Ser232Leu variant is classified as pathogenic.

Revvity Omics, Revvity
Classification: Pathogenic for Testosterone 17-beta-dehydrogenase deficiency. Last evaluated: 2024-02-21. Review status: criteria provided, single submitter. Criteria: ACMG Guidelines, 2015. Collection method: clinical testing. Allele origin: germline.

Blueprint Genetics
Classification: Pathogenic for HSD17B3-related disorders. Last evaluated: 2021-12-03. Review status: criteria provided, single submitter. Criteria: ACMG Guidelines, 2015. Collection method: clinical testing. Allele origin: germline. Affected: yes. Observed: 2 variant alleles.

Victorian Clinical Genetics Services, Murdoch Childrens Research Institute
Classification: Pathogenic for Testosterone 17-beta-dehydrogenase deficiency. Last evaluated: 2021-05-06. Review status: criteria provided, single submitter. Criteria: ACMG Guidelines, 2015. Collection method: clinical testing. Allele origin: germline. Inheritance: Autosomal recessive inheritance. Affected: yes.
Comment: Based on the classification scheme VCGS_Germline_v1.3.4, this variant is classified as Pathogenic. Following criteria are met: 0102 - Loss of function is a known mechanism of disease in this gene and is associated with HSD17B3-related 17 beta-hydroxysteroid dehydrogenase deficiency (MIM#264300). (I) 0106 - This gene is associated with autosomal recessive disease. (I) 0200 - Variant is predicted to result in a missense amino acid change from serine to leucine. (I) 0251 - This variant is heterozygous. (I) 0304 - Variant is present in gnomAD (v2) <0.01 for a recessive condition (5 heterozygotes, 0 homozygotes). (SP) 0501 - Missense variant consistently predicted to be damaging by multiple in silico tools or highly conserved with a major amino acid change. (SP) 0600 - Variant is located in the annotated short chain dehydrogenase (Decipher). (I) 0705 - No comparable missense variants have previous evidence for pathogenicity. (I) 0802 - This variant has moderate previous evidence of pathogenicity in unrelated individuals. The variant has been previously reported in multiple patients with HSD17B3-related 17 beta-hydroxysteroid dehydrogenase deficiency (MIM#264300) (PMID: 8075637, 17466011, 28739554, 30668521). (SP) 0901 - This variant has strong evidence for segregation with disease. The variant has been shown to segregate with disease in one family (PMID: 17466011). (SP) 1002 - This variant has moderate functional evidence supporting abnormal protein function. Site-directed mutagenesis study shows that this variant causes enzyme inactivation (PMID: 8075637). (SP) 1208 - Inheritance information for this variant is not currently available in this individual. (I) Legend: (SP) - Supporting pathogenic, (I) - Information, (SB) - Supporting benign

Clinical Genetics Laboratory, University Hospital Schleswig-Holstein
Classification: Pathogenic for Testosterone 17-beta-dehydrogenase deficiency. Last evaluated: 2024-11-11. Review status: no assertion criteria provided. Criteria: ACMG Guidelines, 2015. Collection method: clinical testing. Allele origin: biparental. Affected: yes. Not counted in ClinVar's aggregate classification.

OMIM
Classification: Pathogenic for 17-BETA HYDROXYSTEROID DEHYDROGENASE III DEFICIENCY. Last evaluated: 1994-05-01. Review status: no assertion criteria provided. Collection method: literature only. Allele origin: germline. Not counted in ClinVar's aggregate classification.

Literature cited by the submitters: PubMed 8075637 (cited by 3 submitters); PubMed 17466011 (cited by Labcorp Genetics (formerly Invitae), Labcorp and Victorian Clinical Genetics Services, Murdoch Childrens Research Institute); PubMed 28739554 (cited by Labcorp Genetics (formerly Invitae), Labcorp and Victorian Clinical Genetics Services, Murdoch Childrens Research Institute); PubMed 30668521 (cited by Victorian Clinical Genetics Services, Murdoch Childrens Research Institute).

NM_000197.2(HSD17B3):c.695C>T (p.Ser232Leu)

Genes: HSD17B3 (hydroxysteroid 17-beta dehydrogenase 3; minus strand), SLC35D2-HSD17B3 (SLC35D2-HSD17B3 readthrough; minus strand). Cytogenetic location: 9q22.32.
Variant type: single nucleotide variant.
Coding change: c.695C>T on transcript NM_000197.2 (MANE Select); coding-DNA position 695, C replaced by T.
Protein change: p.Ser232Leu; replaces serine 232 with leucine.
Molecular consequence: missense variant.
Genome position (GRCh38, 1-based): chr9:96,240,885, G>A on the plus strand (C>T on the coding strand, the complement: HSD17B3 is on the minus strand). VCF-style: chr9-96240885-G-A. GRCh37 (hg19) VCF-style: chr9-99003167-G-A.
Other names: short protein forms S232L.
Identifiers: ClinVar variation 4872 (VCV000004872.12), dbSNP rs28939085, ClinGen allele CA117110.